The following is an entry in ClinVar:

ClinVar aggregate classification (germline): Uncertain significance (1 of 4 stars; one submission).

Submission:

Ambry Genetics
Classification: Uncertain significance. Last evaluated: 2023-10-01. Review status: criteria provided, single submitter. Criteria: Ambry Variant Classification Scheme 2023. Collection method: clinical testing. Allele origin: germline.
Comment: The p.F735V variant (also known as c.2203T>G), located in coding exon 18 of the RAD54L gene, results from a T to G substitution at nucleotide position 2203. The phenylalanine at codon 735 is replaced by valine, an amino acid with highly similar properties. This amino acid position is conserved. In addition, this alteration is predicted to be deleterious by in silico analysis. Since supporting evidence is limited at this time, the clinical significance of this alteration remains unclear.

NM_003579.4(RAD54L):c.2203T>G (p.Phe735Val)

Genes: LRRC41 (leucine rich repeat containing 41; minus strand), RAD54L (RAD54 like; plus strand). Cytogenetic location: 1p34.1.
Variant type: single nucleotide variant.
Coding change: c.2203T>G on transcript NM_003579.4 (MANE Select); coding-DNA position 2203, T replaced by G.
Protein change: p.Phe735Val; replaces phenylalanine 735 with valine.
Molecular consequence: missense variant. On other transcripts: 3 prime UTR variant (1).
Genome position (GRCh38, 1-based): chr1:46,278,241, T>G. VCF-style: chr1-46278241-T-G. GRCh37 (hg19) VCF-style: chr1-46743913-T-G.
Other names: c.*624A>C (NM_006369.5); c.2203T>G, p.Phe735Val (NM_001142548.2); c.1663T>G, p.Phe555Val (NM_001370766.1); short protein forms F555V, F735V.
Identifiers: ClinVar variation 3223432 (VCV003223432.1), dbSNP rs748279402, ClinGen allele CA340191449.
Genomic context (GRCh38, chr1:46,278,241, plus strand): 5'-CTCCGGGATGAGGTACTCCAGGCTGCCTGGGATGCTGCCTCCACTGCCATCACCTTCGTC[T>G]TCCACCAGCGTTCTCATGAGGAGCAGCGGGGCCTCCGCTGATAACCAGCTGGTCTGGGTG-3'
Protein context (NP_003570.2, residues 725-745): DAASTAITFV[Phe735Val]HQRSHEEQRG